The following is an entry in ClinVar:

NM_001744.6(CAMK4):c.850G>A (p.Asp284Asn)

Gene: CAMK4 (calcium/calmodulin dependent protein kinase IV; plus strand). Cytogenetic location: 5q22.1.
Variant type: single nucleotide variant.
Coding change: c.850G>A on transcript NM_001744.6 (MANE Select); coding-DNA position 850, G replaced by A.
Protein change: p.Asp284Asn; replaces aspartic acid 284 with asparagine.
Molecular consequence: missense variant.
Genome position (GRCh38, 1-based): chr5:111,482,806, G>A. VCF-style: chr5-111482806-G-A. GRCh37 (hg19) VCF-style: chr5-110818504-G-A.
Other names: c.850G>A, p.Asp284Asn (NM_001323374.2, NM_001323375.2); c.259G>A, p.Asp87Asn (NM_001323376.2, NM_001323377.2); short protein forms D284N, D87N.
Identifiers: ClinVar variation 1801165 (VCV001801165.1), dbSNP rs143584280, ClinGen allele CA3366484.
Genomic context (GRCh38, chr5:111,482,806, plus strand): 5'-TAAAAACCTCGCTAAGTTTATGGTTCTTTATTATTTCAGGTCAGAAAATTAATTGTTTTG[G>A]ATCCAAAGAAACGGCTGACTACATTTCAAGCTCTCCAGCATCCGTGGGTCACAGGTAAAG-3'
Protein context (NP_001735.1, residues 274-294): KDLVRKLIVL[Asp284Asn]PKKRLTTFQA

ClinVar aggregate classification (germline): Uncertain significance (1 of 4 stars; one submission).

Allele frequency attached by ClinVar (database versions not stated): 1000 Genomes Project 30x 0.00016; ExAC 0.00019; 1000 Genomes Project 0.00020; gnomAD 0.00038; ESP Exome Variant Server 0.00085.
gnomAD v4.1: 110 of 1,608,356 alleles (0.0068%); highest among the groups gnomAD compares: African/African-American, 0.14%; no homozygotes.

Submission:

GeneDx
Classification: Uncertain significance. Last evaluated: 2022-05-26. Review status: criteria provided, single submitter. Criteria: GeneDx Variant Classification Process June 2021. Collection method: clinical testing. Allele origin: germline. Affected: yes.
Comment: In silico analysis supports that this missense variant has a deleterious effect on protein structure/function; Has not been previously published as pathogenic or benign to our knowledge